The following is an entry in ClinVar:

NM_002519.3(NPAT):c.1877G>T (p.Gly626Val)

Gene: NPAT (nuclear protein, coactivator of histone transcription; minus strand). Cytogenetic location: 11q22.3.
Variant type: single nucleotide variant.
Coding change: c.1877G>T on transcript NM_002519.3 (MANE Select); coding-DNA position 1877, G replaced by T.
Protein change: p.Gly626Val; replaces glycine 626 with valine.
Molecular consequence: missense variant.
Genome position (GRCh38, 1-based): chr11:108,173,107, C>A on the plus strand (G>T on the coding strand, the complement: NPAT is on the minus strand). VCF-style: chr11-108173107-C-A. GRCh37 (hg19) VCF-style: chr11-108043834-C-A.
Other names: c.1877G>T, p.Gly626Val (NM_001321307.1); short protein forms G626V.
Identifiers: ClinVar variation 3300627 (VCV003300627.1).
Genomic context (GRCh38, chr11:108,173,107, plus strand): 5'-TGATTTAACTCAACAGATGCTGAATCATTAGATGGTTGTTTAGTAGAAGACAGCGAATCT[C>A]CAAGATGAATTTCTACTTGTCCAGATACATTTAAATGTGAACTTTCAACAGACACAGGTA-3'
Protein context (NP_002510.2, residues 616-636): NVSGQVEIHL[Gly626Val]DSLSSTKQPS

ClinVar aggregate classification (germline): Uncertain significance (1 of 4 stars; one submission).

gnomAD v4.1: 3 of 1,613,914 alleles (0.00019%); highest among the groups gnomAD compares: African/African-American, 0.004%; no homozygotes.

Submission:

Ambry Genetics
Classification: Uncertain significance. Last evaluated: 2024-06-17. Review status: criteria provided, single submitter. Criteria: Ambry Variant Classification Scheme 2023. Collection method: clinical testing. Allele origin: germline.
Comment: The p.G626V variant (also known as c.1877G>T), located in coding exon 13 of the NPAT gene, results from a G to T substitution at nucleotide position 1877. The glycine at codon 626 is replaced by valine, an amino acid with dissimilar properties. This amino acid position is conserved. In addition, this alteration is predicted to be tolerated by in silico analysis. Based on the available evidence, the clinical significance of this variant remains unclear.